The following is an entry in ClinVar:

ClinVar aggregate classification (germline): Uncertain significance. Review status: criteria provided, multiple submitters, no conflicts (2 of 4 stars). 2 submissions from 2 submitters: Uncertain significance (2). Last evaluated 2025-04-18.

Conditions:
Bloom syndrome (BLM). Also called: Bloom-Torre-Machacek syndrome. Identifiers: Orphanet 125, MedGen C0005859, MONDO:0008876, OMIM 210900.
Hereditary cancer-predisposing syndrome. Also called: Neoplastic Syndromes, Hereditary; Hereditary Cancer Syndrome; Hereditary neoplastic syndrome; Tumor predisposition. Identifiers: Orphanet 140162, MedGen C0027672, MeSH D009386, MONDO:0015356.

Allele frequency attached by ClinVar (database versions not stated): gnomAD exomes below 0.00001.
gnomAD v4.1: 1 of 1,613,926 alleles (0.000062%); highest among the groups gnomAD compares: Non-Finnish European, 0.000085%; no homozygotes.

Submissions (2):

Ambry Genetics
Classification: Uncertain significance for Hereditary cancer-predisposing syndrome. Last evaluated: 2025-04-18. Review status: criteria provided, single submitter. Criteria: Ambry Variant Classification Scheme 2023. Collection method: clinical testing. Allele origin: germline.
Comment: The p.I847F variant (also known as c.2539A>T), located in coding exon 11 of the BLM gene, results from an A to T substitution at nucleotide position 2539. The isoleucine at codon 847 is replaced by phenylalanine, an amino acid with highly similar properties. This amino acid position is conserved. In addition, this alteration is predicted to be tolerated by in silico analysis. Since supporting evidence is limited at this time, the clinical significance of this alteration remains unclear.

Labcorp Genetics (formerly Invitae), Labcorp
Classification: Uncertain significance for Bloom syndrome. Last evaluated: 2024-08-05. Review status: criteria provided, single submitter. Criteria: Invitae Variant Classification Sherloc (09022015). Collection method: clinical testing. Allele origin: germline.
Comment: This sequence change replaces isoleucine, which is neutral and non-polar, with phenylalanine, which is neutral and non-polar, at codon 847 of the BLM protein (p.Ile847Phe). This variant is not present in population databases (gnomAD no frequency). This variant has not been reported in the literature in individuals affected with BLM-related conditions. ClinVar contains an entry for this variant (Variation ID: 1060041). Advanced modeling of protein sequence and biophysical properties (such as structural, functional, and spatial information, amino acid conservation, physicochemical variation, residue mobility, and thermodynamic stability) performed at Invitae indicates that this missense variant is not expected to disrupt BLM protein function with a negative predictive value of 80%. In summary, the available evidence is currently insufficient to determine the role of this variant in disease. Therefore, it has been classified as a Variant of Uncertain Significance.

NM_000057.4(BLM):c.2539A>T (p.Ile847Phe)

Gene: BLM (BLM RecQ like helicase; plus strand). Cytogenetic location: 15q26.1.
Variant type: single nucleotide variant.
Coding change: c.2539A>T on transcript NM_000057.4 (MANE Select); coding-DNA position 2539, A replaced by T.
Protein change: p.Ile847Phe; replaces isoleucine 847 with phenylalanine.
Molecular consequence: missense variant.
Genome position (GRCh38, 1-based): chr15:90,769,570, A>T. VCF-style: chr15-90769570-A-T. GRCh37 (hg19) VCF-style: chr15-91312800-A-T.
Other names: c.2539A>T, p.Ile847Phe (NM_001287246.2, NM_001287247.2); c.1414A>T, p.Ile472Phe (NM_001287248.2); short protein forms I472F, I847F.
Identifiers: ClinVar variation 1060041 (VCV001060041.12), dbSNP rs1896243843, ClinGen allele CA393845531.